The following is an entry in ClinVar:

ClinVar aggregate classification (germline): Likely pathogenic (1 of 4 stars; one submission).

Conditions:
Familial cancer of breast. Also called: hereditary breast carcinoma; Hereditary breast cancer; BREAST CANCER, FAMILIAL. Identifiers: Orphanet 227535, MedGen C0346153, MONDO:0016419, OMIM 114480. Disease mechanism: loss of function.

Submission:

Labcorp Genetics (formerly Invitae), Labcorp
Classification: Likely pathogenic for Familial cancer of breast. Last evaluated: 2021-11-05. Review status: criteria provided, single submitter. Criteria: Invitae Variant Classification Sherloc (09022015). Collection method: clinical testing. Allele origin: germline.
Comment: In summary, the currently available evidence indicates that the variant is pathogenic, but additional data are needed to prove that conclusively. Therefore, this variant has been classified as Likely Pathogenic. Experimental studies have shown that a similar copy number variant affects BARD1 function (PMID: 17848578). Algorithms developed to predict the effect of variants on protein structure and function are not available or were not evaluated for this variant. This variant has not been reported in the literature in individuals affected with BARD1-related conditions. This variant is a gross deletion of the genomic region encompassing exon(s) 3-6 of the BARD1 gene. This variant would be expected to be in-frame, preserving the integrity of the reading frame.

Literature cited by the submitters: PubMed 17848578.

NC_000002.11:g.(?_215632196)_(215657179_?)del

Gene: BARD1 (BRCA1 associated RING domain 1; minus strand). Cytogenetic location: 2q35.
Variant type: Deletion.
Identifiers: ClinVar variation 1065934 (VCV001065934.4).